The following is an entry in ClinVar:

Conditions:
Long QT syndrome 5 (LQT5). Identifiers: Orphanet 101016, Orphanet 768, MedGen C1867904, MONDO:0013372, OMIM 613695.

Submission:

Roden Lab, Vanderbilt University Medical Center
No classification provided (evidence only). Condition: Long QT syndrome 5. Review status: no classification provided. Collection method: in vitro. Allele origin: not applicable. Functional consequence: Effect on ion channel function.
ClinVar note: "not provided" was previously submitted as the classification for the variant. However, the classification appeared to be based only on an observation of functional data so it was converted to no classification on 2025-07-30.

NM_000219.6(KCNE1):c.186G>T (p.Met62Ile)

Gene: KCNE1 (potassium voltage-gated channel subfamily E regulatory subunit 1; minus strand). Cytogenetic location: 21q22.12.
Variant type: single nucleotide variant.
Coding change: c.186G>T on transcript NM_000219.6 (MANE Select); coding-DNA position 186, G replaced by T.
Protein change: p.Met62Ile; replaces methionine 62 with isoleucine.
Molecular consequence: missense variant.
Genome position (GRCh38, 1-based): chr21:34,449,449, C>A on the plus strand (G>T on the coding strand, the complement: KCNE1 is on the minus strand). VCF-style: chr21-34449449-C-A. GRCh37 (hg19) VCF-style: chr21-35821747-C-A.
Other names: c.186G>T, p.Met62Ile (NM_001127668.4, NM_001127669.4, NM_001127670.4 and 4 more transcripts); short protein forms M62I.
Identifiers: ClinVar variation 3374276 (VCV003374276.2).